The following is an entry in ClinVar:

NM_014974.3(DIP2C):c.385A>T (p.Thr129Ser)

Gene: DIP2C (DIP2 acetate--CoA ligase C (putative); minus strand). Cytogenetic location: 10p15.3.
Variant type: single nucleotide variant.
Coding change: c.385A>T on transcript NM_014974.3 (MANE Select); coding-DNA position 385, A replaced by T.
Protein change: p.Thr129Ser; replaces threonine 129 with serine.
Molecular consequence: missense variant.
Genome position (GRCh38, 1-based): chr10:440,880, T>A on the plus strand (A>T on the coding strand, the complement: DIP2C is on the minus strand). VCF-style: chr10-440880-T-A. GRCh37 (hg19) VCF-style: chr10-486820-T-A.
Other names: short protein forms T129S.
Identifiers: ClinVar variation 3696096 (VCV003696096.2).

ClinVar aggregate classification (germline): Uncertain significance (1 of 4 stars; one submission).

gnomAD v4.1: 1 of 1,612,180 alleles (0.000062%); highest among the groups gnomAD compares: Admixed American, 0.0017%; no homozygotes.

Submission:

Labcorp Genetics (formerly Invitae), Labcorp
Classification: Uncertain significance. Last evaluated: 2024-09-12. Review status: criteria provided, single submitter. Criteria: Invitae Variant Classification Sherloc (09022015). Collection method: clinical testing. Allele origin: germline.
Comment: This sequence change replaces threonine, which is neutral and polar, with serine, which is neutral and polar, at codon 129 of the DIP2C protein (p.Thr129Ser). This variant is present in population databases (rs764266530, gnomAD 0.003%). This variant has not been reported in the literature in individuals affected with DIP2C-related conditions. An algorithm developed to predict the effect of missense changes on protein structure and function (PolyPhen-2) suggests that this variant is likely to be tolerated. In summary, the available evidence is currently insufficient to determine the role of this variant in disease. Therefore, it has been classified as a Variant of Uncertain Significance.